The following is an entry in ClinVar:

ClinVar aggregate classification (germline): Uncertain significance (1 of 4 stars; one submission).

Submission:

Labcorp Genetics (formerly Invitae), Labcorp
Classification: Uncertain significance. Last evaluated: 2022-07-03. Review status: criteria provided, single submitter. Criteria: Invitae Variant Classification Sherloc (09022015). Collection method: clinical testing. Allele origin: germline.
Comment: This variant has not been reported in the literature in individuals affected with DMXL2-related conditions. This variant is not present in population databases (gnomAD no frequency). This sequence change replaces serine, which is neutral and polar, with phenylalanine, which is neutral and non-polar, at codon 1111 of the DMXL2 protein (p.Ser1111Phe). In summary, the available evidence is currently insufficient to determine the role of this variant in disease. Therefore, it has been classified as a Variant of Uncertain Significance. Algorithms developed to predict the effect of missense changes on protein structure and function are either unavailable or do not agree on the potential impact of this missense change (SIFT: "Deleterious"; PolyPhen-2: "Probably Damaging"; Align-GVGD: "Class C15").

NM_001378457.1(DMXL2):c.3332C>T (p.Ser1111Phe)

Gene: DMXL2 (Dmx like 2; minus strand). Cytogenetic location: 15q21.2.
Variant type: single nucleotide variant.
Coding change: c.3332C>T on transcript NM_001378457.1 (MANE Select); coding-DNA position 3332, C replaced by T.
Protein change: p.Ser1111Phe; replaces serine 1111 with phenylalanine.
Molecular consequence: missense variant. On other transcripts: non-coding transcript variant (2), intron variant (2).
Genome position (GRCh38, 1-based): chr15:51,499,892, G>A on the plus strand (C>T on the coding strand, the complement: DMXL2 is on the minus strand). VCF-style: chr15-51499892-G-A. GRCh37 (hg19) VCF-style: chr15-51792089-G-A.
Other names: c.3332C>T, p.Ser1111Phe (NM_001174116.3, NM_001378458.1, NM_001378459.1 and 4 more transcripts); c.3092C>T, p.Ser1031Phe (NM_001378464.1); c.2764+7242C>T (NM_001378460.1); c.2765-4758C>T (NM_001174117.3); short protein forms S1111F, S1031F.
Identifiers: ClinVar variation 2013424 (VCV002013424.4), dbSNP rs2548509381, ClinGen allele CA392436710.
Genomic context (GRCh38, chr15:51,499,892, plus strand): 5'-ACCTTAACCAAATCATCAAGATGAATTGTTTGTTCTAAAACCCACTCTGATCCTCCTGTA[G>A]ATTCACATTCAAATATACAAACATGCATGGAAAATTCTTTAGAAACAAAACCATTATGGT-3'
Protein context (NP_001365386.1, residues 1101-1121): SMHVCIFECE[Ser1111Phe]TGGSEWVLEQ